The following is an entry in ClinVar:

ClinVar aggregate classification (germline): Uncertain significance (1 of 4 stars; one submission).

Conditions:
Hereditary breast ovarian cancer syndrome. Also called: Hereditary breast and ovarian cancer syndrome (HBOC); Hereditary breast and ovarian cancer syndrome; Breast and ovarian cancer; BRCA1- and BRCA2-Associated Hereditary Breast and Ovarian Cancer; Hereditary breast and ovarian cancer; Hereditary breast and/or ovarian cancer syndrome. Identifiers: Orphanet 145, MedGen C0677776, MeSH D061325, MONDO:0003582. Disease mechanism: loss of function.

Submission:

Labcorp Genetics (formerly Invitae), Labcorp
Classification: Uncertain significance for Hereditary breast ovarian cancer syndrome. Last evaluated: 2023-03-20. Review status: criteria provided, single submitter. Criteria: Invitae Variant Classification Sherloc (09022015). Collection method: clinical testing. Allele origin: germline.
Comment: In summary, the available evidence is currently insufficient to determine the role of this variant in disease. Therefore, it has been classified as a Variant of Uncertain Significance. Advanced modeling of protein sequence and biophysical properties (such as structural, functional, and spatial information, amino acid conservation, physicochemical variation, residue mobility, and thermodynamic stability) performed at Invitae indicates that this missense variant is not expected to disrupt BRCA2 protein function. This variant has not been reported in the literature in individuals affected with BRCA2-related conditions. This variant is not present in population databases (gnomAD no frequency). This sequence change replaces leucine, which is neutral and non-polar, with isoleucine, which is neutral and non-polar, at codon 146 of the BRCA2 protein (p.Leu146Ile).

NM_000059.4(BRCA2):c.436C>A (p.Leu146Ile)

Gene: BRCA2 (BRCA2 DNA repair associated; plus strand). Cytogenetic location: 13q13.1.
Variant type: single nucleotide variant.
Coding change: c.436C>A on transcript NM_000059.4 (MANE Select); coding-DNA position 436, C replaced by A.
Protein change: p.Leu146Ile; replaces leucine 146 with isoleucine.
Molecular consequence: missense variant. On other transcripts: non-coding transcript variant (1).
Genome position (GRCh38, 1-based): chr13:32,326,111, C>A. VCF-style: chr13-32326111-C-A. GRCh37 (hg19) VCF-style: chr13-32900248-C-A.
Other names: c.436C>A, p.Leu146Ile (NM_001406719.1, NM_001406720.1, NM_001406721.1); c.67C>A, p.Leu23Ile (NM_001406722.1); short protein forms L23I, L146I.
Identifiers: ClinVar variation 2847610 (VCV002847610.3), dbSNP rs876658912, ClinGen allele CA387757015.